The following is an entry in ClinVar:

ClinVar aggregate classification (germline): Uncertain significance (1 of 4 stars; one submission).

Submission:

GeneDx
Classification: Uncertain significance. Last evaluated: 2023-06-08. Review status: criteria provided, single submitter. Criteria: GeneDx Variant Classification Process June 2021. Collection method: clinical testing. Allele origin: germline. Affected: yes.
Comment: Not observed at significant frequency in large population cohorts (gnomAD); In silico analysis supports that this missense variant does not alter protein structure/function; Has not been previously published as pathogenic or benign to our knowledge

NM_001378183.1(PIEZO2):c.241T>G (p.Leu81Val)

Gene: PIEZO2 (piezo type mechanosensitive ion channel component 2; minus strand). Cytogenetic location: 18p11.21.
Variant type: single nucleotide variant.
Coding change: c.241T>G on transcript NM_001378183.1 (MANE Select); coding-DNA position 241, T replaced by G.
Protein change: p.Leu81Val; replaces leucine 81 with valine.
Molecular consequence: missense variant.
Genome position (GRCh38, 1-based): chr18:10,979,580, A>C on the plus strand (T>G on the coding strand, the complement: PIEZO2 is on the minus strand). VCF-style: chr18-10979580-A-C. GRCh37 (hg19) VCF-style: chr18-10979578-A-C.
Other names: c.241T>G, p.Leu81Val (NM_001410871.1, NM_022068.4); short protein forms L81V.
Identifiers: ClinVar variation 3359504 (VCV003359504.1).